The following is an entry in ClinVar:

ClinVar aggregate classification (germline): Uncertain significance (1 of 4 stars; one submission).

Conditions:
Combined immunodeficiency due to ORAI1 deficiency. Also called: IMMUNODEFICIENCY 9. Identifiers: Orphanet 169090, Orphanet 317428, MedGen C2748568, MONDO:0013007, OMIM 612782.
Myopathy, tubular aggregate, 2 (TAM2). Identifiers: MedGen C4014557, MONDO:0014383, OMIM 615883.

Submission:

Labcorp Genetics (formerly Invitae), Labcorp
Classification: Uncertain significance for Myopathy, tubular aggregate, 2; Combined immunodeficiency due to ORAI1 deficiency. Last evaluated: 2025-04-02. Review status: criteria provided, single submitter. Criteria: Invitae Variant Classification Sherloc (09022015). Collection method: clinical testing. Allele origin: germline.
Comment: This sequence change replaces leucine, which is neutral and non-polar, with histidine, which is basic and polar, at codon 273 of the ORAI1 protein (p.Leu273His). This variant is not present in population databases (gnomAD no frequency). This variant has not been reported in the literature in individuals affected with ORAI1-related conditions. Experimental studies and prediction algorithms are not available or were not evaluated, and the functional significance of this variant is currently unknown. In summary, the available evidence is currently insufficient to determine the role of this variant in disease. Therefore, it has been classified as a Variant of Uncertain Significance.

NC_000012.12:g.121641555T>A

Gene: ORAI1 (ORAI calcium release-activated calcium modulator 1; plus strand). Cytogenetic location: 12q24.31.
Variant type: single nucleotide variant.
Molecular consequence: non-coding transcript variant (on NR_186857.1).
Genome position: GRCh38 VCF-style: chr12-121641555-T-A. GRCh37 (hg19) VCF-style: chr12-122079461-T-A.
Identifiers: ClinVar variation 4791107 (VCV004791107.1).